The following is an entry in ClinVar:

NM_000059.4(BRCA2):c.927del (p.Leu310fs)

Gene: BRCA2 (BRCA2 DNA repair associated; plus strand). Cytogenetic location: 13q13.1.
Variant type: Deletion.
Coding change: c.927del on transcript NM_000059.4 (MANE Select); coding-DNA position 927, one base deleted (A; older notation c.927delA).
Protein change: p.Leu310fs; shifts the reading frame from leucine 310.
Molecular consequence: frameshift variant.
Genome position (GRCh38, 1-based): chr13:32,332,405, A deleted. VCF-style (leftmost placement, unchanged base first): chr13-32332404-CA-C. GRCh37 (hg19) VCF-style: chr13-32906541-CA-C.
Other names: 1155delA; short protein forms L310fs.
Identifiers: ClinVar variation 267149 (VCV000267149.5), dbSNP rs886040828, ClinGen allele CA10589060.

ClinVar aggregate classification (germline): Pathogenic. Review status: reviewed by expert panel (3 of 4 stars). 2 submissions from 2 submitters: Pathogenic (1). 1 of the submissions does not count toward it. Last evaluated 2016-10-18.

Conditions:
Breast-ovarian cancer, familial, susceptibility to, 2 (BROVCA2). Also called: BRCA2 Hereditary Breast and Ovarian Cancer. Identifiers: Orphanet 145, MedGen C2675520, MONDO:0012933, OMIM 612555. Disease mechanism: loss of function.
Malignant tumor of breast. Also called: Malignant breast neoplasm; Cancer breast. Identifiers: MedGen C0006142, MONDO:0007254. Disease mechanism: loss of function.

Submissions (2):

Evidence-based Network for the Interpretation of Germline Mutant Alleles (ENIGMA)
Classification: Pathogenic for Breast-ovarian cancer, familial, susceptibility to, 2. Last evaluated: 2016-10-18. Review status: reviewed by expert panel. Criteria: ENIGMA BRCA1/2 Classification Criteria (2015). Collection method: curation. Allele origin: germline.
Comment: Variant allele predicted to encode a truncated non-functional protein.

Department of Pathology and Laboratory Medicine, Sinai Health System
Classification: Pathogenic for Malignant tumor of breast. Review status: no assertion criteria provided. Collection method: clinical testing. Allele origin: unknown. Affected: yes. Study: The Canadian Open Genetics Repository (COGR). Not counted in ClinVar's aggregate classification.
Comment: The BRCA2 p.Leu310Tyrfs*14 variant was identified in 1 of 700 proband chromosomes (frequency: 0.001) from individuals with pancreatic cancer (Smith 2017, PhD Thesis, McGill University). The variant was identified in dbSNP (rs886040828) as â€šÃ„Ãºwith pathogenic alleleâ€šÃ„Ã¹, ClinVar (classified as pathogenic by ENIGMA expert panel, 2015) and LOVD 3.0 (observed 1x). The variant was not identified in UMD-LSDB. The variant was not identified in the following control databases: the Exome Aggregation Consortium (August 8th 2016) or the Genome Aggregation Database (Feb 27, 2017). The c.927del variant is predicted to cause a frameshift, which alters the protein's amino acid sequence beginning at codon 310 and leads to a premature stop codon at position 323. This alteration is then predicted to result in a truncated or absent protein and loss of function. Loss of function variants of the BRCA2 gene are an established mechanism of disease in hereditary breast and ovarian cancer syndrome and is the type of variant expected to cause the disorder. In summary, based on the above information, this variant meets our laboratoryâ€šÃ„Ã´s criteria to be classified as pathogenic.